The following is an entry in ClinVar:

ClinVar aggregate classification (germline): Uncertain significance. Review status: criteria provided, multiple submitters, no conflicts (2 of 4 stars). 2 submissions from 2 submitters: Uncertain significance (2). Last evaluated 2025-01-18.

Conditions:
Inborn genetic diseases. Identifiers: MedGen C0950123, MeSH D030342.

Allele frequency attached by ClinVar (database versions not stated): ExAC 0.00001; gnomAD exomes 0.00002; TOPMed 0.00003; gnomAD 0.00004.
gnomAD v4.1: 36 of 1,614,002 alleles (0.0022%); highest among the groups gnomAD compares: Non-Finnish European, 0.0025%; no homozygotes.

Submissions (2):

Ambry Genetics
Classification: Uncertain significance for Inborn genetic diseases. Last evaluated: 2025-01-18. Review status: criteria provided, single submitter. Criteria: Ambry Variant Classification Scheme 2023. Collection method: clinical testing. Allele origin: germline.

Labcorp Genetics (formerly Invitae), Labcorp
Classification: Uncertain significance. Last evaluated: 2023-05-11. Review status: criteria provided, single submitter. Criteria: Invitae Variant Classification Sherloc (09022015). Collection method: clinical testing. Allele origin: germline.
Comment: This variant has not been reported in the literature in individuals affected with COL10A1-related conditions. In summary, the available evidence is currently insufficient to determine the role of this variant in disease. Therefore, it has been classified as a Variant of Uncertain Significance. Advanced modeling of protein sequence and biophysical properties (such as structural, functional, and spatial information, amino acid conservation, physicochemical variation, residue mobility, and thermodynamic stability) has been performed at Invitae for this missense variant, however the output from this modeling did not meet the statistical confidence thresholds required to predict the impact of this variant on COL10A1 protein function. This variant is present in population databases (rs773712834, gnomAD 0.003%). This sequence change replaces glycine, which is neutral and non-polar, with arginine, which is basic and polar, at codon 151 of the COL10A1 protein (p.Gly151Arg).

NM_000493.4(COL10A1):c.451G>A (p.Gly151Arg)

Genes: COL10A1 (collagen type X alpha 1 chain; minus strand), NT5DC1 (5'-nucleotidase domain containing 1; plus strand). Cytogenetic location: 6q22.1.
Variant type: single nucleotide variant.
Coding change: c.451G>A on transcript NM_000493.4 (MANE Select); coding-DNA position 451, G replaced by A.
Protein change: p.Gly151Arg; replaces glycine 151 with arginine.
Molecular consequence: missense variant. On other transcripts: intron variant (1).
Genome position (GRCh38, 1-based): chr6:116,121,665, C>T on the plus strand (G>A on the coding strand, the complement: COL10A1 is on the minus strand). VCF-style: chr6-116121665-C-T. GRCh37 (hg19) VCF-style: chr6-116442828-C-T.
Other names: c.451G>A, p.Gly151Arg (NM_001424106.1, NM_001424107.1); c.529+3720C>T (NM_152729.3); c.451G>A (NM_000493.3); short protein forms G151R.
Identifiers: ClinVar variation 3015586 (VCV003015586.4), dbSNP rs773712834, ClinGen allele CA3968392.
Genomic context (GRCh38, chr6:116,121,665, plus strand): 5'-CCCTGGGTCCTGGGGCTCCTGTGGGTCCCTGTTGTCCAGGTTTTCCTGGCACAGAAATTC[C>T]AGCCGGTCCAGGGATTCCAGGTGGTCCTGGTGGGCCCCGGGGTCCTGGTAGGCCAGCTGG-3'
Protein context (NP_000484.2, residues 141-161): PGPPGIPGPA[Gly151Arg]ISVPGKPGQQ